The following is an entry in ClinVar:

NM_015702.3(MMADHC):c.420C>T (p.Tyr140=)

Gene: MMADHC (metabolism of cobalamin associated D; minus strand). Cytogenetic location: 2q23.2.
Variant type: single nucleotide variant.
Coding change: c.420C>T on transcript NM_015702.3 (MANE Select); coding-DNA position 420, C replaced by T.
Protein change: p.Tyr140=; no amino-acid change (tyrosine 140 retained).
Molecular consequence: synonymous variant.
Genome position (GRCh38, 1-based): chr2:149,576,495, G>A on the plus strand (C>T on the coding strand, the complement: MMADHC is on the minus strand). VCF-style: chr2-149576495-G-A. GRCh37 (hg19) VCF-style: chr2-150433009-G-A.
Identifiers: ClinVar variation 386041 (VCV000386041.15), dbSNP rs139369078, ClinGen allele CA1902410.

ClinVar aggregate classification (germline): Benign/Likely benign. Review status: criteria provided, multiple submitters, no conflicts (2 of 4 stars). 4 submissions from 4 submitters: Benign (1); Likely benign (2). 1 of the submissions does not count toward it. Last evaluated 2026-01-31.

Conditions:
MMADHC-related disorder. Also called: MMADHC-related condition.
Methylmalonic aciduria and homocystinuria type cblD (MAHCD). Also called: Methylmalonic aciduria with homocystinuria cblD type; METHYLMALONIC ACIDEMIA, cblH TYPE. Identifiers: Orphanet 622, Orphanet 79283, MedGen C1848552, MONDO:0010185, OMIM 277410.

Allele frequency attached by ClinVar (database versions not stated): gnomAD exomes 0.00008 and 0.00021; ExAC 0.00031; ESP Exome Variant Server 0.00069; gnomAD 0.00075 and 0.00077; TOPMed 0.00083; 1000 Genomes Project 0.00180; 1000 Genomes Project 30x 0.00187.
gnomAD v4.1: 238 of 1,613,706 alleles (0.015%); highest among the groups gnomAD compares: African/African-American, 0.25%; no homozygotes.

Submissions (4):

Labcorp Genetics (formerly Invitae), Labcorp
Classification: Benign for Methylmalonic aciduria and homocystinuria type cblD. Last evaluated: 2026-01-31. Review status: criteria provided, single submitter. Criteria: Invitae Variant Classification Sherloc (09022015). Collection method: clinical testing. Allele origin: germline.

Blueprint Genetics
Classification: Likely benign. Last evaluated: 2024-07-02. Review status: criteria provided, single submitter. Criteria: ACMG Guidelines, 2015. Collection method: clinical testing. Allele origin: germline.

GeneDx
Classification: Likely benign. Last evaluated: 2016-05-25. Review status: criteria provided, single submitter. Criteria: GeneDx Variant Classification (06012015). Collection method: clinical testing. Allele origin: germline. Affected: yes.
Comment: This variant is considered likely benign or benign based on one or more of the following criteria: it is a conservative change, it occurs at a poorly conserved position in the protein, it is predicted to be benign by multiple in silico algorithms, and/or has population frequency not consistent with disease.

PreventionGenetics, part of Exact Sciences
Classification: Likely benign for MMADHC-related condition. Last evaluated: 2019-07-11. Review status: no assertion criteria provided. Collection method: clinical testing. Allele origin: germline. Not counted in ClinVar's aggregate classification.
Comment: This variant is classified as likely benign based on ACMG/AMP sequence variant interpretation guidelines (Richards et al. 2015 PMID: 25741868, with internal and published modifications).